The following is an entry in ClinVar:

ClinVar aggregate classification (germline): Uncertain significance (1 of 4 stars; one submission).

Allele frequency attached by ClinVar (database versions not stated): ExAC 0.00001.

Submission:

Labcorp Genetics (formerly Invitae), Labcorp
Classification: Uncertain significance. Last evaluated: 2022-08-09. Review status: criteria provided, single submitter. Criteria: Invitae Variant Classification Sherloc (09022015). Collection method: clinical testing. Allele origin: germline.
Comment: This variant has not been reported in the literature in individuals affected with TRPM1-related conditions. In summary, the available evidence is currently insufficient to determine the role of this variant in disease. Therefore, it has been classified as a Variant of Uncertain Significance. Algorithms developed to predict the effect of missense changes on protein structure and function (SIFT, PolyPhen-2, Align-GVGD) all suggest that this variant is likely to be disruptive. This variant is present in population databases (rs756345183, gnomAD no frequency). This sequence change replaces tyrosine, which is neutral and polar, with aspartic acid, which is acidic and polar, at codon 610 of the TRPM1 protein (p.Tyr610Asp).

NM_001252024.2(TRPM1):c.1894T>G (p.Tyr632Asp)

Gene: TRPM1 (transient receptor potential cation channel subfamily M member 1; minus strand). Cytogenetic location: 15q13.3.
Variant type: single nucleotide variant.
Coding change: c.1894T>G on transcript NM_001252024.2 (MANE Select); coding-DNA position 1894, T replaced by G.
Protein change: p.Tyr632Asp; replaces tyrosine 632 with aspartic acid.
Molecular consequence: missense variant.
Genome position (GRCh38, 1-based): chr15:31,042,144, A>C on the plus strand (T>G on the coding strand, the complement: TRPM1 is on the minus strand). VCF-style: chr15-31042144-A-C. GRCh37 (hg19) VCF-style: chr15-31334347-A-C.
Other names: c.1945T>G, p.Tyr649Asp (NM_001252020.2); c.1828T>G, p.Tyr610Asp (NM_002420.6); short protein forms Y649D, Y610D, Y632D.
Identifiers: ClinVar variation 2126738 (VCV002126738.4), dbSNP rs756345183, ClinGen allele CA7452368.